The following is an entry in ClinVar:

NM_004064.5(CDKN1B):c.175A>T (p.Lys59Ter)

Gene: CDKN1B (cyclin dependent kinase inhibitor 1B; plus strand). Cytogenetic location: 12p13.1.
Variant type: single nucleotide variant.
Coding change: c.175A>T on transcript NM_004064.5 (MANE Select); coding-DNA position 175, A replaced by T.
Protein change: p.Lys59Ter; replaces lysine 59 with a stop codon.
Molecular consequence: nonsense.
Genome position (GRCh38, 1-based): chr12:12,718,014, A>T. VCF-style: chr12-12718014-A-T. GRCh37 (hg19) VCF-style: chr12-12870948-A-T.
Other names: c.175A>T (NM_004064.3); short protein forms K59*.
Identifiers: ClinVar variation 3641354 (VCV003641354.3).

ClinVar aggregate classification (germline): Pathogenic. Review status: criteria provided, multiple submitters, no conflicts (2 of 4 stars). 2 submissions from 2 submitters: Pathogenic (2). Last evaluated 2025-09-10.

Conditions:
Hereditary cancer-predisposing syndrome. Also called: Hereditary neoplastic syndrome; Hereditary Cancer Syndrome; Neoplastic Syndromes, Hereditary; Tumor predisposition. Identifiers: Orphanet 140162, MedGen C0027672, MeSH D009386, MONDO:0015356.
Multiple endocrine neoplasia type 4. Also called: MULTIPLE ENDOCRINE NEOPLASIA, TYPE IV. Identifiers: Orphanet 276152, MedGen C1970712, MONDO:0012552, OMIM 610755.

Submissions (2):

Ambry Genetics
Classification: Pathogenic for Hereditary cancer-predisposing syndrome. Last evaluated: 2025-09-10. Review status: criteria provided, single submitter. Criteria: Ambry Variant Classification Scheme 2023. Collection method: clinical testing. Allele origin: germline.
Comment: The p.K59* pathogenic mutation (also known as c.175A>T), located in coding exon 1 of the CDKN1B gene, results from an A to T substitution at nucleotide position 175. This changes the amino acid from a lysine to a stop codon within coding exon 1. This variant is considered to be rare based on population cohorts in the Genome Aggregation Database (gnomAD). This alteration is expected to result in loss of function by premature protein truncation or nonsense-mediated mRNA decay. As such, this alteration is interpreted as a disease-causing mutation.

Labcorp Genetics (formerly Invitae), Labcorp
Classification: Pathogenic for Multiple endocrine neoplasia type 4. Last evaluated: 2024-03-07. Review status: criteria provided, single submitter. Criteria: Invitae Variant Classification Sherloc (09022015). Collection method: clinical testing. Allele origin: germline.
Comment: This sequence change creates a premature translational stop signal (p.Lys59*) in the CDKN1B gene. It is expected to result in an absent or disrupted protein product. Loss-of-function variants in CDKN1B are known to be pathogenic (PMID: 17030811, 24819502). This variant is not present in population databases (gnomAD no frequency). This variant has not been reported in the literature in individuals affected with CDKN1B-related conditions. For these reasons, this variant has been classified as Pathogenic.

Literature cited by the submitters: PubMed 17030811 (cited by Labcorp Genetics (formerly Invitae), Labcorp); PubMed 24819502 (cited by Labcorp Genetics (formerly Invitae), Labcorp).